The following is an entry in ClinVar:

NM_004733.4(SLC33A1):c.1075C>A (p.Leu359Met)

Gene: SLC33A1 (solute carrier family 33 member 1; minus strand). Cytogenetic location: 3q25.31.
Variant type: single nucleotide variant.
Coding change: c.1075C>A on transcript NM_004733.4 (MANE Select); coding-DNA position 1075, C replaced by A.
Protein change: p.Leu359Met; replaces leucine 359 with methionine.
Molecular consequence: missense variant.
Genome position (GRCh38, 1-based): chr3:155,833,930, G>T on the plus strand (C>A on the coding strand, the complement: SLC33A1 is on the minus strand). VCF-style: chr3-155833930-G-T. GRCh37 (hg19) VCF-style: chr3-155551719-G-T.
Other names: c.1075C>A, p.Leu359Met (NM_001190992.2); c.887C>A, p.Thr296Asn (NM_001363883.1); short protein forms T296N, L359M.
Identifiers: ClinVar variation 2047757 (VCV002047757.4), dbSNP rs1179830564, ClinGen allele CA355141313.

ClinVar aggregate classification (germline): Uncertain significance (1 of 4 stars; one submission).

Conditions:
Spastic paraplegia. Identifiers: MedGen C0037772, HP:0001258.

Submission:

Labcorp Genetics (formerly Invitae), Labcorp
Classification: Uncertain significance for Spastic paraplegia. Last evaluated: 2022-08-10. Review status: criteria provided, single submitter. Criteria: Invitae Variant Classification Sherloc (09022015). Collection method: clinical testing. Allele origin: germline.
Comment: In summary, the available evidence is currently insufficient to determine the role of this variant in disease. Therefore, it has been classified as a Variant of Uncertain Significance. Algorithms developed to predict the effect of missense changes on protein structure and function are either unavailable or do not agree on the potential impact of this missense change (SIFT: "Deleterious"; PolyPhen-2: "Possibly Damaging"; Align-GVGD: "Class C0"). This variant has not been reported in the literature in individuals affected with SLC33A1-related conditions. This variant is not present in population databases (gnomAD no frequency). This sequence change replaces leucine, which is neutral and non-polar, with methionine, which is neutral and non-polar, at codon 359 of the SLC33A1 protein (p.Leu359Met).